The following is an entry in ClinVar:

ClinVar aggregate classification (germline): Uncertain significance. Review status: criteria provided, multiple submitters, no conflicts (2 of 4 stars). 2 submissions from 2 submitters: Uncertain significance (2). Last evaluated 2025-10-29.

Allele frequency attached by ClinVar (database versions not stated): TOPMed 0.00001; gnomAD 0.00003; gnomAD exomes 0.00001.
gnomAD v4.1: 18 of 1,592,286 alleles (0.0011%); highest among the groups gnomAD compares: African/African-American, 0.004%; no homozygotes.

Submissions (2):

Ambry Genetics
Classification: Uncertain significance. Last evaluated: 2025-10-29. Review status: criteria provided, single submitter. Criteria: Ambry Variant Classification Scheme 2023. Collection method: clinical testing. Allele origin: germline.

Labcorp Genetics (formerly Invitae), Labcorp
Classification: Uncertain significance. Last evaluated: 2023-01-31. Review status: criteria provided, single submitter. Criteria: Invitae Variant Classification Sherloc (09022015). Collection method: clinical testing. Allele origin: germline.
Comment: The frequency data for this variant in the population databases is considered unreliable, as metrics indicate poor data quality at this position in the gnomAD database. This sequence change replaces arginine, which is basic and polar, with tryptophan, which is neutral and slightly polar, at codon 414 of the MKL1 protein (p.Arg414Trp). This variant has not been reported in the literature in individuals affected with MKL1-related conditions. Algorithms developed to predict the effect of missense changes on protein structure and function are either unavailable or do not agree on the potential impact of this missense change (SIFT: "Deleterious"; PolyPhen-2: "Probably Damaging"; Align-GVGD: "Class C0"). In summary, the available evidence is currently insufficient to determine the role of this variant in disease. Therefore, it has been classified as a Variant of Uncertain Significance.

NM_020831.6(MRTFA):c.1540C>T (p.Arg514Trp)

Gene: MRTFA (myocardin related transcription factor A; minus strand). Cytogenetic location: 22q13.1.
Variant type: single nucleotide variant.
Coding change: c.1540C>T on transcript NM_020831.6 (MANE Select); coding-DNA position 1540, C replaced by T.
Protein change: p.Arg514Trp; replaces arginine 514 with tryptophan.
Molecular consequence: missense variant.
Genome position (GRCh38, 1-based): chr22:40,419,198, G>A on the plus strand (C>T on the coding strand, the complement: MRTFA is on the minus strand). VCF-style: chr22-40419198-G-A. GRCh37 (hg19) VCF-style: chr22-40815202-G-A.
Other names: c.1240C>T (NM_020831.3); c.1240C>T, p.Arg414Trp (NM_001282660.2); c.1390C>T, p.Arg464Trp (NM_001282661.3); c.1540C>T, p.Arg514Trp (NM_001282662.3); c.1345C>T, p.Arg449Trp (NM_001318139.2); short protein forms R414W, R464W, R449W, R514W.
Identifiers: ClinVar variation 2994344 (VCV002994344.4), dbSNP rs1210675215, ClinGen allele CA411662024.